The following is an entry in ClinVar:

NM_198252.3(GSN):c.1350T>A (p.Asp450Glu)

Gene: GSN (gelsolin; plus strand). Cytogenetic location: 9q33.2.
Variant type: single nucleotide variant.
Coding change: c.1350T>A on transcript NM_198252.3 (MANE Select); coding-DNA position 1350, T replaced by A.
Protein change: p.Asp450Glu; replaces aspartic acid 450 with glutamic acid.
Molecular consequence: missense variant.
Genome position (GRCh38, 1-based): chr9:121,324,578, T>A. VCF-style: chr9-121324578-T-A. GRCh37 (hg19) VCF-style: chr9-124086856-T-A.
Other names: c.1503T>A, p.Asp501Glu (NM_000177.5); c.1350T>A, p.Asp450Glu (NM_001127662.2, NM_001127664.2, NM_001127665.2 and 10 more transcripts); c.1458T>A, p.Asp486Glu (NM_001127663.2); c.1383T>A, p.Asp461Glu (NM_001127666.2, NM_001127667.2, NM_001353063.2 and 13 more transcripts); c.1401T>A, p.Asp467Glu (NM_001258029.2); c.1374T>A, p.Asp458Glu (NM_001258030.2); c.1422T>A, p.Asp474Glu (NM_001353076.2); c.696T>A, p.Asp232Glu (NM_001353078.2); short protein forms D232E, D474E, D458E, D467E, D501E, D450E, D461E, D486E.
Identifiers: ClinVar variation 1989898 (VCV001989898.4), dbSNP rs141406100, ClinGen allele CA5221224.

ClinVar aggregate classification (germline): Uncertain significance (1 of 4 stars; one submission).

Allele frequency attached by ClinVar (database versions not stated): gnomAD 0.00001; gnomAD exomes 0.00001; TOPMed 0.00002; ExAC 0.00005.
gnomAD v4.1: 13 of 1,543,278 alleles (0.00084%); highest among the groups gnomAD compares: Non-Finnish European, 0.0011%; no homozygotes.

Submission:

Labcorp Genetics (formerly Invitae), Labcorp
Classification: Uncertain significance. Last evaluated: 2024-07-24. Review status: criteria provided, single submitter. Criteria: Invitae Variant Classification Sherloc (09022015). Collection method: clinical testing. Allele origin: germline.
Comment: This sequence change replaces aspartic acid, which is acidic and polar, with glutamic acid, which is acidic and polar, at codon 501 of the GSN protein (p.Asp501Glu). This variant is present in population databases (rs141406100, gnomAD 0.004%). This variant has not been reported in the literature in individuals affected with GSN-related conditions. ClinVar contains an entry for this variant (Variation ID: 1989898). An algorithm developed to predict the effect of missense changes on protein structure and function outputs the following: PolyPhen-2: "Benign". The glutamic acid amino acid residue is found in multiple mammalian species, which suggests that this missense change does not adversely affect protein function. In summary, the available evidence is currently insufficient to determine the role of this variant in disease. Therefore, it has been classified as a Variant of Uncertain Significance.